The following is an entry in ClinVar:

ClinVar aggregate classification (germline): Conflicting classifications of pathogenicity. Review status: criteria provided, conflicting classifications (1 of 4 stars). 7 submissions from 7 submitters: Uncertain significance (3); Likely benign (3). 1 of the submissions does not count toward it. Last evaluated 2026-03-16.

Conditions:
Spermatogenic failure 28. Identifiers: MedGen C4748117, MONDO:0054732, OMIM 618086.
Premature ovarian failure 15. Identifiers: MedGen C4748170, MONDO:0054862, OMIM 618096.
Hereditary cancer-predisposing syndrome. Also called: Tumor predisposition; Hereditary neoplastic syndrome; Hereditary Cancer Syndrome; Neoplastic Syndromes, Hereditary. Identifiers: Orphanet 140162, MedGen C0027672, MeSH D009386, MONDO:0015356.
FANCM-related disorder. Also called: FANCM-related condition.
Fanconi anemia (FA). Also called: Fanconi's anemia. Identifiers: Orphanet 84, MedGen C0015625, MeSH D005199, MONDO:0019391.

Allele frequency attached by ClinVar (database versions not stated): ESP Exome Variant Server 0.00062; gnomAD 0.00076 and 0.00068; TOPMed 0.00088; gnomAD exomes 0.00007 and 0.00018; 1000 Genomes Project 30x 0.00016; ExAC 0.00020.

Submissions (7):

Dasa
Classification: Likely benign. Last evaluated: 2026-03-16. Review status: criteria provided, single submitter. Criteria: DASA Assertion Criteria. Collection method: clinical testing. Allele origin: germline.
Comment: NM_020937.4(FANCM):c.2517T>G (p.Ile839Met) is a missense variant that results in the substitution of isoleucine with methionine. Population frequency is inconsistent with a disease-causing role for this variant. Computational prediction algorithms are consistent with a benign effect. Therefore, based on the currently available evidence, this variant is classified as likely benign.

Labcorp Genetics (formerly Invitae), Labcorp
Classification: Likely benign for Fanconi anemia. Last evaluated: 2025-12-02. Review status: criteria provided, single submitter. Criteria: Invitae Variant Classification Sherloc (09022015). Collection method: clinical testing. Allele origin: germline.

GeneDx
Classification: Uncertain significance. Last evaluated: 2024-07-15. Review status: criteria provided, single submitter. Criteria: GeneDx Variant Classification Process June 2021. Collection method: clinical testing. Allele origin: germline. Affected: yes.
Comment: In silico analysis indicates that this missense variant does not alter protein structure/function; Observed in individuals with breast cancer (PMID: 33471991); This variant is associated with the following publications: (PMID: 33471991)

Fulgent Genetics
Classification: Uncertain significance for Spermatogenic failure 28; Premature ovarian failure 15. Last evaluated: 2024-01-16. Review status: criteria provided, single submitter. Criteria: ACMG Guidelines, 2015. Collection method: clinical testing. Allele origin: germline.

Quest Diagnostics Nichols Institute San Juan Capistrano
Classification: Likely benign. Last evaluated: 2023-07-12. Review status: criteria provided, single submitter. Criteria: Quest Diagnostics criteria. Collection method: clinical testing. Allele origin: unknown.

Sema4
Classification: Uncertain significance for Hereditary cancer-predisposing syndrome. Last evaluated: 2021-10-07. Review status: criteria provided, single submitter. Criteria: Sema4 Curation Guidelines. Collection method: curation. Allele origin: germline.
Comment: The FANCM c.2517T>G (p.I839M) variant has been reported in at least two individuals with breast cancer (PMID: 33471991). It was observed in 51/24748 chromosomes of the African/African American subpopulation, with no homozygotes, in the large and broad cohorts of the Genome Aggregation Database (PMID: 32461654). The variant has been reported in ClinVar (Variation ID: 241318). In silico tools suggest the impact of the variant on protein function is benign, though these predictions have not been confirmed by functional studies. The evidence is insufficient to meet ACMG/AMP criteria for classifying the variant as benign or pathogenic. Thus, the clinical significance of this variant is currently uncertain.

PreventionGenetics, part of Exact Sciences
Classification: Likely benign for FANCM-related condition. Last evaluated: 2022-05-04. Review status: no assertion criteria provided. Collection method: clinical testing. Allele origin: germline. Not counted in ClinVar's aggregate classification.
Comment: This variant is classified as likely benign based on ACMG/AMP sequence variant interpretation guidelines (Richards et al. 2015 PMID: 25741868, with internal and published modifications).

Literature cited by the submitters: PubMed 33471991 (cited by Quest Diagnostics Nichols Institute San Juan Capistrano and Sema4).

NM_020937.4(FANCM):c.2517T>G (p.Ile839Met)

Gene: FANCM (FA complementation group M; plus strand). Cytogenetic location: 14q21.2.
Variant type: single nucleotide variant.
Coding change: c.2517T>G on transcript NM_020937.4 (MANE Select); coding-DNA position 2517, T replaced by G.
Protein change: p.Ile839Met; replaces isoleucine 839 with methionine.
Molecular consequence: missense variant.
Genome position (GRCh38, 1-based): chr14:45,175,271, T>G. VCF-style: chr14-45175271-T-G. GRCh37 (hg19) VCF-style: chr14-45644474-T-G.
Other names: c.2439T>G, p.Ile813Met (NM_001308133.2); c.2517T>G (NM_020937.3, LRG_502t1); short protein forms I839M, I813M.
Identifiers: ClinVar variation 241318 (VCV000241318.24), dbSNP rs61744648, ClinGen allele CA7169365.